The following is an entry in ClinVar:

NM_015650.4(IFT54):c.1082T>C (p.Ile361Thr)

Gene: IFT54 (intraflagellar transport 54; plus strand). Cytogenetic location: 2q37.3.
Variant type: single nucleotide variant.
Coding change: c.1082T>C on transcript NM_015650.4 (MANE Select); coding-DNA position 1082, T replaced by C.
Protein change: p.Ile361Thr; replaces isoleucine 361 with threonine.
Molecular consequence: missense variant. On other transcripts: intron variant (1).
Genome position (GRCh38, 1-based): chr2:238,338,380, T>C. VCF-style: chr2-238338380-T-C. GRCh37 (hg19) VCF-style: chr2-239247021-T-C.
Other names: c.1063+4345T>C (NM_001139490.1); short protein forms I361T.
Identifiers: ClinVar variation 726732 (VCV000726732.13), dbSNP rs78259781, ClinGen allele CA2198277.

ClinVar aggregate classification (germline): Conflicting classifications of pathogenicity. Review status: criteria provided, conflicting classifications (1 of 4 stars). 4 submissions from 4 submitters: Uncertain significance (2); Likely benign (2). Last evaluated 2025-12-30.

Conditions:
Inborn genetic diseases. Identifiers: MedGen C0950123, MeSH D030342.

Allele frequency attached by ClinVar (database versions not stated): gnomAD exomes 0.00005 and 0.00018; ExAC 0.00027; 1000 Genomes Project 0.00060; 1000 Genomes Project 30x 0.00062; TOPMed 0.00082; gnomAD 0.00084 and 0.00092; ESP Exome Variant Server 0.00108.
gnomAD v4.1: 212 of 1,581,684 alleles (0.013%); highest among the groups gnomAD compares: African/African-American, 0.26%; 1 homozygote.

Submissions (4):

Labcorp Genetics (formerly Invitae), Labcorp
Classification: Likely benign. Last evaluated: 2025-12-30. Review status: criteria provided, single submitter. Criteria: Invitae Variant Classification Sherloc (09022015). Collection method: clinical testing. Allele origin: germline.

Ambry Genetics
Classification: Uncertain significance for Inborn genetic diseases. Last evaluated: 2025-08-26. Review status: criteria provided, single submitter. Criteria: Ambry Variant Classification Scheme 2023. Collection method: clinical testing. Allele origin: germline.

Blueprint Genetics
Classification: Likely benign. Last evaluated: 2024-11-14. Review status: criteria provided, single submitter. Criteria: ACMG Guidelines, 2015. Collection method: clinical testing. Allele origin: germline.

Genetic Services Laboratory, University of Chicago
Classification: Uncertain significance. Last evaluated: 2023-02-23. Review status: criteria provided, single submitter. Criteria: ACMG Guidelines, 2015. Collection method: clinical testing. Allele origin: germline. Affected: no.
Comment: DNA sequence analysis of the TRAF3IP1 gene demonstrated a sequence change, c.1082T>C, in exon 8 that results in an amino acid change, p.Ile361Thr. This sequence change has been described in the gnomAD database with a frequency of 0.25% in the African/African American subpopulation (dbSNP rs78259781). The p.Ile361Thr change affects a poorly conserved amino acid residue located in a domain of the TRAF3IP1 protein that is not known to be functional. In-silico pathogenicity prediction tools (SIFT, PolyPhen2, Align GVGD, REVEL) provide contradictory results for the p.Ile361Thr substitution. This sequence change does not appear to have been previously described in individuals with TRAF3IP1-related disorders. Due to insufficient evidences and the lack of functional studies, the clinical significance of the p.Ile361Thr change remains unknown at this time.